The following is an entry in ClinVar:

NM_016642.4(SPTBN5):c.8898C>T (p.Ala2966=)

Gene: SPTBN5 (spectrin beta, non-erythrocytic 5; minus strand). Cytogenetic location: 15q15.1.
Variant type: single nucleotide variant.
Coding change: c.8898C>T on transcript NM_016642.4 (MANE Select); coding-DNA position 8898, C replaced by T.
Protein change: p.Ala2966=; no amino-acid change (alanine 2966 retained).
Molecular consequence: synonymous variant.
Genome position (GRCh38, 1-based): chr15:41,856,509, G>A on the plus strand (C>T on the coding strand, the complement: SPTBN5 is on the minus strand). VCF-style: chr15-41856509-G-A. GRCh37 (hg19) VCF-style: chr15-42148707-G-A.
Other names: c.8898C>T (NM_016642.3).
Identifiers: ClinVar variation 2645211 (VCV002645211.25), dbSNP rs376838823, ClinGen allele CA7501698.
Genomic context (GRCh38, chr15:41,856,509, plus strand): 5'-TGCCCGCAGGTGGGCCATGGCCTTCTCCAGCTGCTGCACCCGGGCGGCCACCTCGTGGGC[G>A]GCAAAGTGCCCAGCCTGCACCAGCTTGTACCCAGTGCCCAGCACCACCCGGGTCAGAGCC-3'
Protein context (NP_057726.4, residues 2956-2976): GYKLVQAGHF[Ala2966=]AHEVAARVQQ

ClinVar aggregate classification (germline): Likely benign. Review status: criteria provided, single submitter (1 of 4 stars). 2 submissions from 2 submitters: Likely benign (1). 1 of the submissions does not count toward it. Last evaluated 2023-05-01.

Conditions:
SPTBN5-related disorder. Also called: SPTBN5-related condition.

Allele frequency attached by ClinVar (database versions not stated): gnomAD exomes 0.00010; ExAC 0.00033; 1000 Genomes Project 0.00040; 1000 Genomes Project 30x 0.00062; ESP Exome Variant Server 0.00064; gnomAD 0.00064; TOPMed 0.00093.
gnomAD v4.1: 241 of 1,600,070 alleles (0.015%); highest among the groups gnomAD compares: African/African-American, 0.24%; 1 homozygote.

Submissions (2):

CeGaT Center for Human Genetics Tuebingen
Classification: Likely benign. Last evaluated: 2023-05-01. Review status: criteria provided, single submitter. Criteria: CeGaT Center For Human Genetics Tuebingen Variant Classification Criteria Version 2. Collection method: clinical testing. Allele origin: germline. Affected: yes. Observed: 2 variant alleles.
Comment: SPTBN5: BP4, BP7

PreventionGenetics, part of Exact Sciences
Classification: Likely benign for SPTBN5-related condition. Last evaluated: 2022-02-08. Review status: no assertion criteria provided. Collection method: clinical testing. Allele origin: germline. Not counted in ClinVar's aggregate classification.
Comment: This variant is classified as likely benign based on ACMG/AMP sequence variant interpretation guidelines (Richards et al. 2015 PMID: 25741868, with internal and published modifications).